The following is an entry in ClinVar:

ClinVar aggregate classification (germline): Uncertain significance (1 of 4 stars; one submission).

Conditions:
Myoclonic dystonia 11 (DYT11). Also called: DYT-SGCE; Myoclonic dystonia; Dystonia 11; Dystonia, alcohol responsive; Hereditary essential myoclonus; SGCE Myoclonus-Dystonia. Identifiers: Orphanet 36899, MedGen C1834570, MONDO:0008044, OMIM 159900.

Submission:

Labcorp Genetics (formerly Invitae), Labcorp
Classification: Uncertain significance for Myoclonic dystonia 11. Last evaluated: 2021-02-02. Review status: criteria provided, single submitter. Criteria: Invitae Variant Classification Sherloc (09022015). Collection method: clinical testing. Allele origin: germline.
Comment: In summary, the available evidence is currently insufficient to determine the role of this variant in disease. Therefore, it has been classified as a Variant of Uncertain Significance. Algorithms developed to predict the effect of missense changes on protein structure and function (SIFT, PolyPhen-2, Align-GVGD) all suggest that this variant is likely to be disruptive, but these predictions have not been confirmed by published functional studies and their clinical significance is uncertain. This variant has not been reported in the literature in individuals with SGCE-related conditions. This variant is not present in population databases (ExAC no frequency). This sequence change replaces tryptophan with cysteine at codon 100 of the SGCE protein (p.Trp100Cys). The tryptophan residue is highly conserved and there is a large physicochemical difference between tryptophan and cysteine.

NM_003919.3(SGCE):c.300G>C (p.Trp100Cys)

Genes: CASD1 (CAS1 domain sialic acid O acetyltransferase 1; plus strand), SGCE (sarcoglycan epsilon; minus strand). Cytogenetic location: 7q21.3.
Variant type: single nucleotide variant.
Coding change: c.300G>C on transcript NM_003919.3 (MANE Select); coding-DNA position 300, G replaced by C.
Protein change: p.Trp100Cys; replaces tryptophan 100 with cysteine.
Molecular consequence: missense variant.
Genome position (GRCh38, 1-based): chr7:94,628,292, C>G on the plus strand (G>C on the coding strand, the complement: SGCE is on the minus strand). VCF-style: chr7-94628292-C-G. GRCh37 (hg19) VCF-style: chr7-94257604-C-G.
Other names: c.300G>C, p.Trp100Cys (NM_001099400.2, NM_001099401.2, NM_001346717.2); c.177G>C, p.Trp59Cys (NM_001301139.2, NM_001362809.2); c.408G>C, p.Trp136Cys (NM_001346713.2, NM_001346715.2); c.213G>C, p.Trp71Cys (NM_001346719.2, NM_001362807.2); c.27G>C, p.Trp9Cys (NM_001346720.2, NM_001362808.2); short protein forms W100C, W71C, W136C, W59C, W9C.
Identifiers: ClinVar variation 1406571 (VCV001406571.8), dbSNP rs2116959448, ClinGen allele CA368238251.